The following is an entry in ClinVar:

NM_000059.4(BRCA2):c.1661G>C (p.Cys554Ser)

Gene: BRCA2 (BRCA2 DNA repair associated; plus strand). Cytogenetic location: 13q13.1.
Variant type: single nucleotide variant.
Coding change: c.1661G>C on transcript NM_000059.4 (MANE Select); coding-DNA position 1661, G replaced by C.
Protein change: p.Cys554Ser; replaces cysteine 554 with serine.
Molecular consequence: missense variant.
Genome position (GRCh38, 1-based): chr13:32,333,139, G>C. VCF-style: chr13-32333139-G-C. GRCh37 (hg19) VCF-style: chr13-32907276-G-C.
Other names: short protein forms C554S.
Identifiers: ClinVar variation 857346 (VCV000857346.11), dbSNP rs748215651, ClinGen allele CA387765032.

ClinVar aggregate classification (germline): Conflicting classifications of pathogenicity. Review status: criteria provided, conflicting classifications (1 of 4 stars). 2 submissions from 2 submitters: Uncertain significance (1); Likely benign (1). Last evaluated 2026-01-05.

Conditions:
Hereditary cancer-predisposing syndrome. Also called: Tumor predisposition; Hereditary neoplastic syndrome; Neoplastic Syndromes, Hereditary; Hereditary Cancer Syndrome. Identifiers: Orphanet 140162, MedGen C0027672, MeSH D009386, MONDO:0015356.
Hereditary breast ovarian cancer syndrome. Also called: Breast and ovarian cancer; BRCA1- and BRCA2-Associated Hereditary Breast and Ovarian Cancer; Hereditary breast and ovarian cancer; Hereditary breast and ovarian cancer syndrome (HBOC); Hereditary breast and/or ovarian cancer syndrome; Hereditary breast and ovarian cancer syndrome. Identifiers: Orphanet 145, MedGen C0677776, MeSH D061325, MONDO:0003582. Disease mechanism: loss of function.

Submissions (2):

Labcorp Genetics (formerly Invitae), Labcorp
Classification: Uncertain significance for Hereditary breast ovarian cancer syndrome. Last evaluated: 2026-01-05. Review status: criteria provided, single submitter. Criteria: Invitae Variant Classification Sherloc (09022015). Collection method: clinical testing. Allele origin: germline.
Comment: This sequence change replaces cysteine, which is neutral and slightly polar, with serine, which is neutral and polar, at codon 554 of the BRCA2 protein (p.Cys554Ser). This variant is not present in population databases (gnomAD no frequency). This variant has not been reported in the literature in individuals affected with BRCA2-related conditions. ClinVar contains an entry for this variant (Variation ID: 857346). Invitae Evidence Modeling of protein sequence and biophysical properties (such as structural, functional, and spatial information, amino acid conservation, physicochemical variation, residue mobility, and thermodynamic stability) indicates that this missense variant is not expected to disrupt BRCA2 protein function with a negative predictive value of 95%. In summary, the available evidence is currently insufficient to determine the role of this variant in disease. Therefore, it has been classified as a Variant of Uncertain Significance.

University of Washington Department of Laboratory Medicine, University of Washington
Classification: Likely benign for Hereditary cancer-predisposing syndrome. Last evaluated: 2023-03-23. Review status: criteria provided, single submitter. Criteria: Dines et al. (Genet Med. 2020). Collection method: curation. Allele origin: germline.
Comment: Missense variant in a coldspot region where missense variants are very unlikely to be pathogenic (PMID:31911673).

BRCA2 exon 10 coldspot. Reclassification based on statistical prior probability.